The following is an entry in ClinVar:

NM_031443.4(CCM2):c.150T>G (p.Pro50=)

Gene: CCM2 (CCM2 scaffold protein; plus strand). Cytogenetic location: 7p13.
Variant type: single nucleotide variant.
Coding change: c.150T>G on transcript NM_031443.4 (MANE Select); coding-DNA position 150, T replaced by G.
Protein change: p.Pro50=; no amino-acid change (proline 50 retained).
Molecular consequence: synonymous variant. On other transcripts: non-coding transcript variant (1), intron variant (2).
Genome position (GRCh38, 1-based): chr7:45,038,372, T>G. VCF-style: chr7-45038372-T-G. GRCh37 (hg19) VCF-style: chr7-45077971-T-G.
Other names: p.Pro50=; c.213T>G, p.Pro71= (NM_001029835.2); c.150T>G, p.Pro50= (NM_001167935.2, NM_001363458.2); c.31-25546T>G (NM_001363459.2, NM_001167934.2).
Identifiers: ClinVar variation 4683265 (VCV004683265.1).

ClinVar aggregate classification (germline): Likely benign (1 of 4 stars; one submission).

Submission:

Mayo Clinic Laboratories, Mayo Clinic
Classification: Likely benign. Last evaluated: 2025-07-31. Review status: criteria provided, single submitter. Criteria: ACMG Guidelines, 2015. Collection method: clinical testing. Allele origin: germline. Observed: 1 variant allele.
Comment: BP4, BP7, PM2_supporting